The following is an entry in ClinVar:

NM_000081.4(LYST):c.6422C>A (p.Ala2141Asp)

Gene: LYST (lysosomal trafficking regulator; minus strand). Cytogenetic location: 1q42.3.
Variant type: single nucleotide variant.
Coding change: c.6422C>A on transcript NM_000081.4 (MANE Select); coding-DNA position 6422, C replaced by A.
Protein change: p.Ala2141Asp; replaces alanine 2141 with aspartic acid.
Molecular consequence: missense variant.
Genome position (GRCh38, 1-based): chr1:235,759,431, G>T on the plus strand (C>A on the coding strand, the complement: LYST is on the minus strand). VCF-style: chr1-235759431-G-T. GRCh37 (hg19) VCF-style: chr1-235922731-G-T.
Other names: c.6422C>A, p.Ala2141Asp (NM_001301365.1); short protein forms A2141D.
Identifiers: ClinVar variation 1028051 (VCV001028051.2), dbSNP rs1667363212, ClinGen allele CA344942050.
Genomic context (GRCh38, chr1:235,759,431, plus strand): 5'-TCTTTGCCTTTTTTCAGTGTGTCGGAACTCCCCAAAGAATTTTGTTTCTTTGATTGGGTG[G>T]CAACATAAGTATCTGCAATATTTTGTAACCTGTCGATACTACAACCCAAACTTCCAGTCA-3'
Protein context (NP_000072.2, residues 2131-2151): RLQNIADTYV[Ala2141Asp]TQSKKQNSLG

ClinVar aggregate classification (germline): Uncertain significance. Review status: criteria provided, multiple submitters, no conflicts (2 of 4 stars). 2 submissions from 2 submitters: Uncertain significance (2). Last evaluated 2025-02-18.

Conditions:
Chédiak-Higashi syndrome (CHS). Also called: Chediak-Higashi Syndrome. Identifiers: Orphanet 167, MedGen C0007965, MONDO:0008963, OMIM 214500.

Allele frequency attached by ClinVar (database versions not stated): TOPMed below 0.00001.

Submissions (2):

Labcorp Genetics (formerly Invitae), Labcorp
Classification: Uncertain significance for Chédiak-Higashi syndrome. Last evaluated: 2025-02-18. Review status: criteria provided, single submitter. Criteria: Invitae Variant Classification Sherloc (09022015). Collection method: clinical testing. Allele origin: germline.
Comment: This sequence change replaces alanine, which is neutral and non-polar, with aspartic acid, which is acidic and polar, at codon 2141 of the LYST protein (p.Ala2141Asp). This variant is not present in population databases (gnomAD no frequency). This variant has not been reported in the literature in individuals affected with LYST-related conditions. ClinVar contains an entry for this variant (Variation ID: 1028051). Invitae Evidence Modeling of protein sequence and biophysical properties (such as structural, functional, and spatial information, amino acid conservation, physicochemical variation, residue mobility, and thermodynamic stability) indicates that this missense variant is not expected to disrupt LYST protein function with a negative predictive value of 80%. In summary, the available evidence is currently insufficient to determine the role of this variant in disease. Therefore, it has been classified as a Variant of Uncertain Significance.

Baylor Genetics
Classification: Uncertain significance for Chédiak-Higashi syndrome. Last evaluated: 2019-05-29. Review status: criteria provided, single submitter. Criteria: ACMG Guidelines, 2015. Collection method: clinical testing. Allele origin: unknown. Affected: yes.
Comment: This variant was determined to be of uncertain significance according to ACMG Guidelines, 2015 [PMID:25741868].